The following is an entry in ClinVar:

NM_001165963.4(SCN1A):c.476del (p.Tyr159fs)

Gene: SCN1A (sodium voltage-gated channel alpha subunit 1; minus strand). Cytogenetic location: 2q24.3.
Variant type: Deletion.
Coding change: c.476del on transcript NM_001165963.4 (MANE Select); coding-DNA position 476, one base deleted (A; older notation c.476delA).
Protein change: p.Tyr159fs; shifts the reading frame from tyrosine 159.
Molecular consequence: frameshift variant. On other transcripts: 5 prime UTR variant (1), non-coding transcript variant (1).
Genome position (GRCh38, 1-based): chr2:166,054,764, T deleted on the plus strand (A on the coding strand, the reverse complement: SCN1A is on the minus strand). VCF-style (leftmost placement, unchanged base first): chr2-166054763-GT-G. GRCh37 (hg19) VCF-style: chr2-166911273-GT-G.
Other names: c.476del, p.Tyr159fs (NM_001165964.3, NM_001202435.3, NM_001353948.2 and 10 more transcripts); c.-1950del (NM_001353961.2); short protein forms Y159fs.
Identifiers: ClinVar variation 206891 (VCV000206891.1), dbSNP rs796053053, ClinGen allele CA317697.

ClinVar aggregate classification (germline): Pathogenic (1 of 4 stars; one submission).

Submission:

GeneDx
Classification: Pathogenic. Last evaluated: 2014-03-19. Review status: criteria provided, single submitter. Criteria: GeneDx Variant Classification (06012015). Collection method: clinical testing. Allele origin: germline. Affected: yes.
Comment: c.476delA: p.Tyr159SerfsX13 (Y159SfsX13) in exon 4 of the SCN1A gene (NM_001165963.1). The normal sequence with the base that is deleted in braces is: AGAT{A}CACC. The c.476delA mutation in the SCN1A gene causes a frameshift starting with codon Tyrosine 159, changes this amino acid to a Serine residue and creates a premature Stop codon at position 13 of the new reading frame, denoted p.Tyr159SerfsX13. This mutation is predicted to cause loss of normal protein function either through protein truncation or nonsense-mediated mRNA decay. Although this mutation has not been previously reported to our knowledge, its presence is consistent with a diagnosis of an SCN1A-related disorder. The variant is found in INFANT-EPI panel(s).